The following is an entry in ClinVar:

NM_001199138.2(NLRC4):c.2582A>C (p.Glu861Ala)

Gene: NLRC4 (NLR family CARD domain containing 4; minus strand). Cytogenetic location: 2p22.3.
Variant type: single nucleotide variant.
Coding change: c.2582A>C on transcript NM_001199138.2 (MANE Select); coding-DNA position 2582, A replaced by C.
Protein change: p.Glu861Ala; replaces glutamic acid 861 with alanine.
Molecular consequence: missense variant.
Genome position (GRCh38, 1-based): chr2:32,236,279, T>G on the plus strand (A>C on the coding strand, the complement: NLRC4 is on the minus strand). VCF-style: chr2-32236279-T-G. GRCh37 (hg19) VCF-style: chr2-32461348-T-G.
Other names: c.2582A>C, p.Glu861Ala (NM_001199139.2, NM_021209.5); c.587A>C, p.Glu196Ala (NM_001302504.2); short protein forms E196A, E861A.
Identifiers: ClinVar variation 1348050 (VCV001348050.6), dbSNP rs761293910, ClinGen allele CA1601770.

ClinVar aggregate classification (germline): Uncertain significance (1 of 4 stars; one submission).

Conditions:
Familial cold autoinflammatory syndrome 4 (FCAS4). Identifiers: Orphanet 47045, Orphanet 576349, MedGen C4015276, MONDO:0014498, OMIM 616115.
Periodic fever-infantile enterocolitis-autoinflammatory syndrome. Also called: Autoinflammation with infantile enterocolitis. Identifiers: Orphanet 436166, MedGen C4015067, MONDO:0014472, OMIM 616050.

Allele frequency attached by ClinVar (database versions not stated): ExAC 0.00001; TOPMed 0.00001.
gnomAD v4.1: 3 of 1,612,068 alleles (0.00019%); highest among the groups gnomAD compares: Admixed American, 0.0033%; no homozygotes.

Submission:

Labcorp Genetics (formerly Invitae), Labcorp
Classification: Uncertain significance for Periodic fever-infantile enterocolitis-autoinflammatory syndrome; Familial cold autoinflammatory syndrome 4. Last evaluated: 2025-11-17. Review status: criteria provided, single submitter. Criteria: Invitae Variant Classification Sherloc (09022015). Collection method: clinical testing. Allele origin: germline.
Comment: This sequence change replaces glutamic acid, which is acidic and polar, with alanine, which is neutral and non-polar, at codon 861 of the NLRC4 protein (p.Glu861Ala). This variant is present in population databases (rs761293910, gnomAD 0.006%). This variant has not been reported in the literature in individuals affected with NLRC4-related conditions. ClinVar contains an entry for this variant (Variation ID: 1348050). Invitae Evidence Modeling of protein sequence and biophysical properties (such as structural, functional, and spatial information, amino acid conservation, physicochemical variation, residue mobility, and thermodynamic stability) indicates that this missense variant is not expected to disrupt NLRC4 protein function with a negative predictive value of 80%. In summary, the available evidence is currently insufficient to determine the role of this variant in disease. Therefore, it has been classified as a Variant of Uncertain Significance.